The following is an entry in ClinVar:

ClinVar aggregate classification (germline): Likely benign (1 of 4 stars; one submission).

gnomAD v4.1: 4,259 of 1,614,010 alleles (0.26%); highest among the groups gnomAD compares: Non-Finnish European, 0.32%; 21 homozygotes.

Submission:

CeGaT Center for Human Genetics Tuebingen
Classification: Likely benign. Last evaluated: 2024-09-01. Review status: criteria provided, single submitter. Criteria: CeGaT Center For Human Genetics Tuebingen Variant Classification Criteria Version 2. Collection method: clinical testing. Allele origin: germline. Affected: yes. Observed: 1 variant allele.
Comment: WWP2: BP4, BP7, BS2

NM_001270454.2(WWP2):c.108T>G (p.Pro36=)

Gene: WWP2 (WW domain containing E3 ubiquitin protein ligase 2; plus strand). Cytogenetic location: 16q22.1.
Variant type: single nucleotide variant.
Coding change: c.108T>G on transcript NM_001270454.2 (MANE Select); coding-DNA position 108, T replaced by G.
Protein change: p.Pro36=; no amino-acid change (proline 36 retained).
Molecular consequence: synonymous variant.
Genome position (GRCh38, 1-based): chr16:69,798,719, T>G. VCF-style: chr16-69798719-T-G. GRCh37 (hg19) VCF-style: chr16-69832622-T-G.
Other names: c.108T>G, p.Pro36= (NM_001270455.2, NM_007014.5).
Identifiers: ClinVar variation 3388039 (VCV003388039.14).